The following is an entry in ClinVar:

NM_002582.4(PARN):c.1297C>A (p.Leu433Ile)

Gene: PARN (poly(A)-specific ribonuclease; minus strand). Cytogenetic location: 16p13.12.
Variant type: single nucleotide variant.
Coding change: c.1297C>A on transcript NM_002582.4 (MANE Select); coding-DNA position 1297, C replaced by A.
Protein change: p.Leu433Ile; replaces leucine 433 with isoleucine.
Molecular consequence: missense variant.
Genome position (GRCh38, 1-based): chr16:14,555,675, G>T on the plus strand (C>A on the coding strand, the complement: PARN is on the minus strand). VCF-style: chr16-14555675-G-T. GRCh37 (hg19) VCF-style: chr16-14649532-G-T.
Other names: c.1114C>A, p.Leu372Ile (NM_001134477.3); c.1159C>A, p.Leu387Ile (NM_001242992.2); short protein forms L387I, L372I, L433I.
Identifiers: ClinVar variation 948033 (VCV000948033.9), dbSNP rs201782700, ClinGen allele CA7912081.
Genomic context (GRCh38, chr16:14,555,675, plus strand): 5'-AAATGCACAGATGCAATAAGAAAATAAAAATTTACTTACAGTCTGGTCCTTCCAAGTTTA[G>T]ATAGGGGATATCCATGACCCTCATAAGAAATAACCTACAAGAAGAAAAGACAAACAAGTA-3'
Protein context (NP_002573.1, residues 423-443): FLMRVMDIPY[Leu433Ile]NLEGPDLQPK

ClinVar aggregate classification (germline): Uncertain significance. Review status: criteria provided, multiple submitters, no conflicts (2 of 4 stars). 2 submissions from 2 submitters: Uncertain significance (2). Last evaluated 2025-09-15.

Conditions:
Dyskeratosis congenita, autosomal recessive 6 (DKCB6). Identifiers: MedGen C4225356, MONDO:0014600, OMIM 616353.
Pulmonary fibrosis and/or bone marrow failure, Telomere-related, 4. Also called: PULMONARY FIBROSIS AND/OR BONE MARROW FAILURE SYNDROME, TELOMERE-RELATED, 4. Identifiers: Orphanet 2032, MedGen C4225347, MONDO:0014612, OMIM 616371.
Inborn genetic diseases. Identifiers: MedGen C0950123, MeSH D030342.

Allele frequency attached by ClinVar (database versions not stated): TOPMed 0.00007.
gnomAD v4.1: 68 of 1,482,462 alleles (0.0046%); highest among the groups gnomAD compares: Non-Finnish European, 0.0057%; no homozygotes.

Submissions (2):

Labcorp Genetics (formerly Invitae), Labcorp
Classification: Uncertain significance for Dyskeratosis congenita, autosomal recessive 6; Pulmonary fibrosis and/or bone marrow failure, Telomere-related, 4. Last evaluated: 2025-09-15. Review status: criteria provided, single submitter. Criteria: Invitae Variant Classification Sherloc (09022015). Collection method: clinical testing. Allele origin: germline.
Comment: This sequence change replaces leucine, which is neutral and non-polar, with isoleucine, which is neutral and non-polar, at codon 433 of the PARN protein (p.Leu433Ile). The frequency data for this variant in the population databases is considered unreliable, as metrics indicate poor data quality at this position in the gnomAD database. This variant has not been reported in the literature in individuals affected with PARN-related conditions. ClinVar contains an entry for this variant (Variation ID: 948033). Invitae Evidence Modeling of protein sequence and biophysical properties (such as structural, functional, and spatial information, amino acid conservation, physicochemical variation, residue mobility, and thermodynamic stability) indicates that this missense variant is not expected to disrupt PARN protein function with a negative predictive value of 80%. In summary, the available evidence is currently insufficient to determine the role of this variant in disease. Therefore, it has been classified as a Variant of Uncertain Significance.

Ambry Genetics
Classification: Uncertain significance for Inborn genetic diseases. Last evaluated: 2024-09-26. Review status: criteria provided, single submitter. Criteria: Ambry Variant Classification Scheme 2023. Collection method: clinical testing. Allele origin: germline.